The following is an entry in ClinVar:

ClinVar aggregate classification (germline): Uncertain significance. Review status: criteria provided, multiple submitters, no conflicts (2 of 4 stars). 3 submissions from 3 submitters: Uncertain significance (3). Last evaluated 2025-04-11.

Conditions:
DST-related disorder. Also called: DST-related condition; DST-related disorders.
Inborn genetic diseases. Identifiers: MedGen C0950123, MeSH D030342.
Epidermolysis bullosa simplex 3, localized or generalized intermediate, with BP230 deficiency (EBS3). Also called: Epidermolysis bullosa simplex, autosomal recessive 2; Epidermolysis bullosa simplex due to BP230 deficiency. Identifiers: Orphanet 412181, MedGen C3809470, MONDO:0014180, OMIM 615425.
Hereditary sensory and autonomic neuropathy type 6. Also called: HSAN VI; Neuropathy, hereditary sensory and autonomic, type VI. Identifiers: Orphanet 314381, MedGen C3539003, MONDO:0013839, OMIM 614653.

Allele frequency attached by ClinVar (database versions not stated): gnomAD exomes 0.00002 and 0.00004; gnomAD 0.00003; ExAC 0.00004; TOPMed 0.00004.
gnomAD v4.1: 59 of 1,601,292 alleles (0.0037%); highest among the groups gnomAD compares: Middle Eastern, 0.033%; no homozygotes.

Submissions (3):

PreventionGenetics, part of Exact Sciences
Classification: Uncertain significance for DST-related condition. Last evaluated: 2025-04-11. Review status: criteria provided, single submitter. Criteria: ACMG Guidelines, 2015. Collection method: clinical testing. Allele origin: germline.
Comment: The DST c.12343G>A variant is predicted to result in the amino acid substitution p.Asp4115Asn. In the epithelial specific isoform (NM_001723.5), this variant resides in the post-coding region (c.*104240G>A). To our knowledge, this variant has not been reported in the literature. This variant is reported in 0.0072% of alleles in individuals of South Asian descent in gnomAD. At this time, the clinical significance of this variant is uncertain due to the absence of conclusive functional and genetic evidence.

Ambry Genetics
Classification: Uncertain significance for Inborn genetic diseases. Last evaluated: 2023-06-20. Review status: criteria provided, single submitter. Criteria: Ambry Variant Classification Scheme 2023. Collection method: clinical testing. Allele origin: germline.

Labcorp Genetics (formerly Invitae), Labcorp
Classification: Uncertain significance for Epidermolysis bullosa simplex 3, localized or generalized intermediate, with BP230 deficiency; Hereditary sensory and autonomic neuropathy type 6. Last evaluated: 2022-08-21. Review status: criteria provided, single submitter. Criteria: Invitae Variant Classification Sherloc (09022015). Collection method: clinical testing. Allele origin: germline.
Comment: This sequence change replaces aspartic acid, which is acidic and polar, with asparagine, which is neutral and polar, at codon 3611 of the DST protein (p.Asp3611Asn). The DST gene has multiple clinically relevant transcripts. This variant occurs in alternate transcript NM_015548.4, and corresponds to NM_001723.5:c.*104240G>A in the primary transcript. This variant is present in population databases (rs753185411, gnomAD 0.007%). This variant has not been reported in the literature in individuals affected with DST-related conditions. Experimental studies and prediction algorithms are not available or were not evaluated, and the functional significance of this variant is currently unknown. In summary, the available evidence is currently insufficient to determine the role of this variant in disease. Therefore, it has been classified as a Variant of Uncertain Significance.

NM_001374736.1(DST):c.18700G>A (p.Asp6234Asn)

Gene: DST (dystonin; minus strand). Cytogenetic location: 6p12.1.
Variant type: single nucleotide variant.
Coding change: c.18700G>A on transcript NM_001374736.1 (MANE Select); coding-DNA position 18700, G replaced by A.
Protein change: p.Asp6234Asn; replaces aspartic acid 6234 with asparagine.
Molecular consequence: missense variant.
Genome position (GRCh38, 1-based): chr6:56,511,277, C>T on the plus strand (G>A on the coding strand, the complement: DST is on the minus strand). VCF-style: chr6-56511277-C-T. GRCh37 (hg19) VCF-style: chr6-56376075-C-T.
Other names: c.12343G>A, p.Asp4115Asn (NM_001144769.5); c.11929G>A, p.Asp3977Asn (NM_001144770.2); c.18700G>A, p.Asp6234Asn (NM_001374722.1); c.17740G>A, p.Asp5914Asn (NM_001374729.1); c.11482G>A, p.Asp3828Asn (NM_001374730.1); c.18727G>A, p.Asp6243Asn (NM_001374734.1); c.11809G>A, p.Asp3937Asn (NM_001386100.1, NM_183380.4); c.10831G>A, p.Asp3611Asn (NM_015548.5); and 1 more; short protein forms D3611N, D3828N, D3937N, D3977N, D4115N, D5914N, D6234N, D6243N.
Identifiers: ClinVar variation 999166 (VCV000999166.11), dbSNP rs753185411, ClinGen allele CA3867169.